The following is an entry in ClinVar:

NM_004525.3(LRP2):c.13847C>T (p.Ser4616Leu)

Gene: LRP2 (LDL receptor related protein 2; minus strand). Cytogenetic location: 2q31.1.
Variant type: single nucleotide variant.
Coding change: c.13847C>T on transcript NM_004525.3 (MANE Select); coding-DNA position 13847, C replaced by T.
Protein change: p.Ser4616Leu; replaces serine 4616 with leucine.
Molecular consequence: missense variant.
Genome position (GRCh38, 1-based): chr2:169,128,784, G>A on the plus strand (C>T on the coding strand, the complement: LRP2 is on the minus strand). VCF-style: chr2-169128784-G-A. GRCh37 (hg19) VCF-style: chr2-169985294-G-A.
Other names: short protein forms S4616L.
Identifiers: ClinVar variation 1303325 (VCV001303325.4), dbSNP rs140802648, ClinGen allele CA1952399.

ClinVar aggregate classification (germline): Uncertain significance. Review status: criteria provided, multiple submitters, no conflicts (2 of 4 stars). 3 submissions from 3 submitters: Uncertain significance (3). Last evaluated 2023-09-01.

Conditions:
Donnai-Barrow syndrome. Also called: DBS/FOAR SYNDROME; FACIOOCULOACOUSTICORENAL SYNDROME. Identifiers: Orphanet 2143, MedGen C1857277, MONDO:0009104, OMIM 222448.

Allele frequency attached by ClinVar (database versions not stated): gnomAD 0.00001; ExAC 0.00002; gnomAD exomes 0.00002 and 0.00003; TOPMed 0.00002; ESP Exome Variant Server 0.00008.
gnomAD v4.1: 50 of 1,613,994 alleles (0.0031%); highest among the groups gnomAD compares: Non-Finnish European, 0.0041%; no homozygotes.

Submissions (3):

Women's Health and Genetics/Laboratory Corporation of America, LabCorp
Classification: Uncertain significance. Last evaluated: 2023-09-01. Review status: criteria provided, single submitter. Criteria: LabCorp Variant Classification Summary - May 2015. Collection method: clinical testing. Allele origin: germline.
Comment: Variant summary: LRP2 c.13847C>T (p.Ser4616Leu) results in a non-conservative amino acid change in the encoded protein sequence. Three of five in-silico tools predict a benign effect of the variant on protein function. The variant allele was found at a frequency of 2e-05 in 251308 control chromosomes (gnomAD). The available data on variant occurrences in the general population are insufficient to allow any conclusion about variant significance. To our knowledge, no occurrence of c.13847C>T in individuals affected with Donnai Barrow Syndrome and no experimental evidence demonstrating its impact on protein function have been reported. Two ClinVar submitters have assessed the variant since 2014, and both submitters classified the variant as uncertain significance. Based on the evidence outlined above, the variant was classified as uncertain significance.

Fulgent Genetics
Classification: Uncertain significance for Donnai-Barrow syndrome. Last evaluated: 2021-11-03. Review status: criteria provided, single submitter. Criteria: ACMG Guidelines, 2015. Collection method: clinical testing. Allele origin: unknown.

GeneDx
Classification: Uncertain significance. Last evaluated: 2019-10-21. Review status: criteria provided, single submitter. Criteria: GeneDx Variant Classification Process June 2021. Collection method: clinical testing. Allele origin: germline. Affected: yes.
Comment: Has not been previously published as pathogenic or benign to our knowledge; In silico analysis, which includes protein predictors and evolutionary conservation, supports a deleterious effect